The following is an entry in ClinVar:

ClinVar aggregate classification (germline): Likely benign. Review status: criteria provided, multiple submitters, no conflicts (2 of 4 stars). 3 submissions from 3 submitters: Likely benign (3). Last evaluated 2025-10-03.

gnomAD v4.1: 97 of 1,614,094 alleles (0.006%); highest among the groups gnomAD compares: East Asian, 0.056%; no homozygotes.

Submissions (3):

Labcorp Genetics (formerly Invitae), Labcorp
Classification: Likely benign. Last evaluated: 2025-10-03. Review status: criteria provided, single submitter. Criteria: Invitae Variant Classification Sherloc (09022015). Collection method: clinical testing. Allele origin: germline.

CeGaT Center for Human Genetics Tuebingen
Classification: Likely benign. Last evaluated: 2025-07-01. Review status: criteria provided, single submitter. Criteria: CeGaT Center For Human Genetics Tuebingen Variant Classification Criteria Version 2. Collection method: clinical testing. Allele origin: germline. Affected: yes. Observed: 1 variant allele.
Comment: TECTA: BP4, BP7

Blueprint Genetics
Classification: Likely benign. Last evaluated: 2024-05-06. Review status: criteria provided, single submitter. Criteria: ACMG Guidelines, 2015. Collection method: clinical testing. Allele origin: germline.

NM_005422.4(TECTA):c.966C>T (p.Cys322=)

Genes: TBCEL-TECTA (TBCEL-TECTA readthrough; plus strand), TECTA (tectorin alpha; plus strand). Cytogenetic location: 11q23.3.
Variant type: single nucleotide variant.
Coding change: c.966C>T on transcript NM_005422.4 (MANE Select); coding-DNA position 966, C replaced by T.
Protein change: p.Cys322=; no amino-acid change (cysteine 322 retained).
Molecular consequence: synonymous variant.
Genome position (GRCh38, 1-based): chr11:121,118,481, C>T. VCF-style: chr11-121118481-C-T. GRCh37 (hg19) VCF-style: chr11-120989190-C-T.
Other names: c.1923C>T, p.Cys641= (NM_001378761.1).
Identifiers: ClinVar variation 3714629 (VCV003714629.11).